The following is an entry in ClinVar:

NM_002470.4(MYH3):c.3083T>A (p.Leu1028Gln)

Gene: MYH3 (myosin heavy chain 3; minus strand). Cytogenetic location: 17p13.1.
Variant type: single nucleotide variant.
Coding change: c.3083T>A on transcript NM_002470.4 (MANE Select); coding-DNA position 3083, T replaced by A.
Protein change: p.Leu1028Gln; replaces leucine 1028 with glutamine.
Molecular consequence: missense variant.
Genome position (GRCh38, 1-based): chr17:10,639,317, A>T on the plus strand (T>A on the coding strand, the complement: MYH3 is on the minus strand). VCF-style: chr17-10639317-A-T. GRCh37 (hg19) VCF-style: chr17-10542634-A-T.
Other names: c.3083T>A (NM_002470.3); short protein forms L1028Q.
Identifiers: ClinVar variation 2196036 (VCV002196036.6), dbSNP rs773838168, ClinGen allele CA8392624.

ClinVar aggregate classification (germline): Uncertain significance. Review status: criteria provided, multiple submitters, no conflicts (2 of 4 stars). 3 submissions from 3 submitters: Uncertain significance (3). Last evaluated 2025-03-24.

Conditions:
MYH3-related disorder. Also called: MYH3-related condition; MYH3-Related Disorders. Identifiers: MedGen CN239329.

Allele frequency attached by ClinVar (database versions not stated): gnomAD exomes below 0.00001; ExAC 0.00001; TOPMed 0.00001.
gnomAD v4.1: 1 of 1,614,020 alleles (0.000062%); highest among the groups gnomAD compares: Admixed American, 0.0017%; no homozygotes.

Submissions (3):

PreventionGenetics, part of Exact Sciences
Classification: Uncertain significance for MYH3-related condition. Last evaluated: 2025-03-24. Review status: criteria provided, single submitter. Criteria: ACMG Guidelines, 2015. Collection method: clinical testing. Allele origin: germline.
Comment: The MYH3 c.3083T>A variant is predicted to result in the amino acid substitution p.Leu1028Gln. To our knowledge, this variant has not been reported in the literature. This variant is reported in 0.0029% of alleles in individuals of Latino descent in gnomAD. At this time, the clinical significance of this variant is uncertain due to the absence of conclusive functional and genetic evidence.

GeneDx
Classification: Uncertain significance. Last evaluated: 2024-12-23. Review status: criteria provided, single submitter. Criteria: GeneDx Variant Classification Process June 2021. Collection method: clinical testing. Allele origin: germline. Affected: yes.
Comment: Not observed at significant frequency in large population cohorts (gnomAD); In silico analysis supports that this missense variant has a deleterious effect on protein structure/function; Has not been previously published as pathogenic or benign to our knowledge

Labcorp Genetics (formerly Invitae), Labcorp
Classification: Uncertain significance. Last evaluated: 2024-06-24. Review status: criteria provided, single submitter. Criteria: Invitae Variant Classification Sherloc (09022015). Collection method: clinical testing. Allele origin: germline.
Comment: This sequence change replaces leucine, which is neutral and non-polar, with glutamine, which is neutral and polar, at codon 1028 of the MYH3 protein (p.Leu1028Gln). This variant is present in population databases (rs773838168, gnomAD 0.003%). This variant has not been reported in the literature in individuals affected with MYH3-related conditions. ClinVar contains an entry for this variant (Variation ID: 2196036). Advanced modeling of protein sequence and biophysical properties (such as structural, functional, and spatial information, amino acid conservation, physicochemical variation, residue mobility, and thermodynamic stability) has been performed at Invitae for this missense variant, however the output from this modeling did not meet the statistical confidence thresholds required to predict the impact of this variant on MYH3 protein function. In summary, the available evidence is currently insufficient to determine the role of this variant in disease. Therefore, it has been classified as a Variant of Uncertain Significance.